The following is an entry in ClinVar:

NM_152564.5(VPS13B):c.796A>G (p.Ile266Val)

Gene: VPS13B (vacuolar protein sorting 13 homolog B; plus strand). Cytogenetic location: 8q22.2.
Variant type: single nucleotide variant.
Coding change: c.796A>G on transcript NM_152564.5 (MANE Select); coding-DNA position 796, A replaced by G.
Protein change: p.Ile266Val; replaces isoleucine 266 with valine.
Molecular consequence: missense variant. On other transcripts: non-coding transcript variant (1).
Genome position (GRCh38, 1-based): chr8:99,115,733, A>G. VCF-style: chr8-99115733-A-G. GRCh37 (hg19) VCF-style: chr8-100127961-A-G.
Other names: c.796A>G, p.Ile266Val (NM_015243.3, NM_017890.5, NM_181661.3); short protein forms I266V.
Identifiers: ClinVar variation 966850 (VCV000966850.9), dbSNP rs752505325, ClinGen allele CA182884719.

ClinVar aggregate classification (germline): Uncertain significance. Review status: criteria provided, multiple submitters, no conflicts (2 of 4 stars). 3 submissions from 3 submitters: Uncertain significance (2). 1 of the submissions does not count toward it. Last evaluated 2025-09-08.

Conditions:
Cohen syndrome (COH1). Also called: Cutis verticis gyrata, retinitis pigmentosa, and sensorineural deafness; PEPPER SYNDROME. Identifiers: Orphanet 193, MedGen C0265223, MONDO:0008999, OMIM 216550.

Allele frequency attached by ClinVar (database versions not stated): gnomAD exomes 0.00001 and 0.00003; TOPMed 0.00001.
gnomAD v4.1: 42 of 1,613,302 alleles (0.0026%); highest among the groups gnomAD compares: Non-Finnish European, 0.0036%; no homozygotes.

Submissions (3):

Labcorp Genetics (formerly Invitae), Labcorp
Classification: Uncertain significance for Cohen syndrome. Last evaluated: 2025-09-08. Review status: criteria provided, single submitter. Criteria: Invitae Variant Classification Sherloc (09022015). Collection method: clinical testing. Allele origin: germline.
Comment: This sequence change replaces isoleucine, which is neutral and non-polar, with valine, which is neutral and non-polar, at codon 266 of the VPS13B protein (p.Ile266Val). This variant is present in population databases (rs752505325, gnomAD 0.002%). This variant has not been reported in the literature in individuals affected with VPS13B-related conditions. ClinVar contains an entry for this variant (Variation ID: 966850). Invitae Evidence Modeling of protein sequence and biophysical properties (such as structural, functional, and spatial information, amino acid conservation, physicochemical variation, residue mobility, and thermodynamic stability) indicates that this missense variant is not expected to disrupt VPS13B protein function with a negative predictive value of 80%. In summary, the available evidence is currently insufficient to determine the role of this variant in disease. Therefore, it has been classified as a Variant of Uncertain Significance.

Baylor Genetics
Classification: Uncertain significance for Cohen syndrome. Last evaluated: 2019-03-02. Review status: criteria provided, single submitter. Criteria: ACMG Guidelines, 2015. Collection method: clinical testing. Allele origin: maternal. Affected: yes.
Comment: This variant was determined to be of uncertain significance according to ACMG Guidelines, 2015 [PMID:25741868].

Natera, Inc.
Classification: Uncertain significance for Cohen syndrome. Last evaluated: 2021-07-05. Review status: no assertion criteria provided. Collection method: clinical testing. Allele origin: germline. Not counted in ClinVar's aggregate classification.